The following is an entry in ClinVar:

NM_000093.5(COL5A1):c.5025C>T (p.Ala1675=)

Genes: COL5A1 (collagen type V alpha 1 chain; plus strand), LOC101448202 (uncharacterized LOC101448202; minus strand). Cytogenetic location: 9q34.3.
Variant type: single nucleotide variant.
Coding change: c.5025C>T on transcript NM_000093.5 (MANE Select); coding-DNA position 5025, C replaced by T.
Protein change: p.Ala1675=; no amino-acid change (alanine 1675 retained).
Molecular consequence: synonymous variant.
Genome position (GRCh38, 1-based): chr9:134,825,862, C>T. VCF-style: chr9-134825862-C-T. GRCh37 (hg19) VCF-style: chr9-137717708-C-T.
Other names: c.5025C>T (NM_000093.4, NM_000093.3); c.5025C>T, p.Ala1675= (NM_001278074.1).
Identifiers: ClinVar variation 1159422 (VCV001159422.14), dbSNP rs560774273, ClinGen allele CA201101372.

ClinVar aggregate classification (germline): Likely benign. Review status: criteria provided, multiple submitters, no conflicts (2 of 4 stars). 4 submissions from 4 submitters: Likely benign (4). Last evaluated 2026-06-28.

Conditions:
Ehlers-Danlos syndrome, classic type, 1 (EDSCL1). Also called: EDS I; EHLERS-DANLOS SYNDROME, GRAVIS TYPE; EHLERS-DANLOS SYNDROME, SEVERE CLASSIC TYPE; Ehlers-Danlos syndrome, type 1; Ehlers-Danlos Syndrome, Classic Type, COL5A1-Related. Identifiers: MedGen C0268335, MONDO:0019567, OMIM 130000.
Familial thoracic aortic aneurysm and aortic dissection (TAAD). Also called: Thoracic aortic aneurysms and dissections. Identifiers: Orphanet 91387, MedGen C4707243, MONDO:0019625.
COL5A1-related disorder. Also called: COL5A1-related condition.

gnomAD v4.1: 28 of 1,613,198 alleles (0.0017%); highest among the groups gnomAD compares: African/African-American, 0.0067%; no homozygotes.

Submissions (4):

PreventionGenetics, part of Exact Sciences
Classification: Likely benign for COL5A1-related condition. Last evaluated: 2026-06-28. Review status: criteria provided, single submitter. Criteria: ACMG Guidelines, 2015. Collection method: clinical testing. Allele origin: germline.
Comment: This variant is classified as likely benign based on ACMG/AMP sequence variant interpretation guidelines (Richards et al. 2015 PMID: 25741868, with internal and published modifications).

Labcorp Genetics (formerly Invitae), Labcorp
Classification: Likely benign for Ehlers-Danlos syndrome, classic type, 1. Last evaluated: 2025-03-17. Review status: criteria provided, single submitter. Criteria: Invitae Variant Classification Sherloc (09022015). Collection method: clinical testing. Allele origin: germline.

Blueprint Genetics
Classification: Likely benign. Last evaluated: 2024-06-26. Review status: criteria provided, single submitter. Criteria: ACMG Guidelines, 2015. Collection method: clinical testing. Allele origin: germline.

Ambry Genetics
Classification: Likely benign for Familial thoracic aortic aneurysm and aortic dissection. Last evaluated: 2023-01-13. Review status: criteria provided, single submitter. Criteria: Ambry Variant Classification Scheme 2023. Collection method: clinical testing. Allele origin: germline.